The following is an entry in ClinVar:

NM_001080517.3(SETD5):c.3142A>G (p.Arg1048Gly)

Gene: SETD5 (SET domain containing 5; plus strand). Cytogenetic location: 3p25.3.
Variant type: single nucleotide variant.
Coding change: c.3142A>G on transcript NM_001080517.3 (MANE Select); coding-DNA position 3142, A replaced by G.
Protein change: p.Arg1048Gly; replaces arginine 1048 with glycine.
Molecular consequence: missense variant.
Genome position (GRCh38, 1-based): chr3:9,470,876, A>G. VCF-style: chr3-9470876-A-G. GRCh37 (hg19) VCF-style: chr3-9512560-A-G.
Other names: c.2848A>G, p.Arg950Gly (NM_001292043.2, NM_001349451.2); short protein forms R1048G, R950G.
Identifiers: ClinVar variation 1938870 (VCV001938870.5), dbSNP rs2473813866, ClinGen allele CA351682708.
Genomic context (GRCh38, chr3:9,470,876, plus strand): 5'-AGATATGAACATGGCTTAATGAAAGACCTCTCTCGTGGATCCTTGTCACCTGGTGGTGAA[A>G]GGGCCTGTGAAGGAGTCCCATCTGCCCCCCAGAACCCACCACAGAGGAAAAAAGTAAGTG-3'
Protein context (NP_001073986.1, residues 1038-1058): SRGSLSPGGE[Arg1048Gly]ACEGVPSAPQ

ClinVar aggregate classification (germline): Uncertain significance (1 of 4 stars; one submission).

Submission:

Labcorp Genetics (formerly Invitae), Labcorp
Classification: Uncertain significance. Last evaluated: 2024-07-29. Review status: criteria provided, single submitter. Criteria: Invitae Variant Classification Sherloc (09022015). Collection method: clinical testing. Allele origin: germline.
Comment: This sequence change replaces arginine, which is basic and polar, with glycine, which is neutral and non-polar, at codon 1048 of the SETD5 protein (p.Arg1048Gly). This variant is not present in population databases (gnomAD no frequency). This variant has not been reported in the literature in individuals affected with SETD5-related conditions. ClinVar contains an entry for this variant (Variation ID: 1938870). Advanced modeling of protein sequence and biophysical properties (such as structural, functional, and spatial information, amino acid conservation, physicochemical variation, residue mobility, and thermodynamic stability) performed at Invitae indicates that this missense variant is not expected to disrupt SETD5 protein function with a negative predictive value of 80%. In summary, the available evidence is currently insufficient to determine the role of this variant in disease. Therefore, it has been classified as a Variant of Uncertain Significance.